The following is an entry in ClinVar:

NM_001163809.2(WDR81):c.1734C>T (p.Tyr578=)

Gene: WDR81 (WD repeat domain 81; plus strand). Cytogenetic location: 17p13.3.
Variant type: single nucleotide variant.
Coding change: c.1734C>T on transcript NM_001163809.2 (MANE Select); coding-DNA position 1734, C replaced by T.
Protein change: p.Tyr578=; no amino-acid change (tyrosine 578 retained).
Molecular consequence: synonymous variant. On other transcripts: intron variant (3).
Genome position (GRCh38, 1-based): chr17:1,726,693, C>T. VCF-style: chr17-1726693-C-T. GRCh37 (hg19) VCF-style: chr17-1629987-C-T.
Other names: c.-123-1297C>T (NM_152348.4); c.59-3687C>T (NM_001163673.2); c.-15+1907C>T (NM_001163811.2).
Identifiers: ClinVar variation 713768 (VCV000713768.7), dbSNP rs114510541, ClinGen allele CA8273072.

ClinVar aggregate classification (germline): Benign. Review status: criteria provided, multiple submitters, no conflicts (2 of 4 stars). 3 submissions from 3 submitters: Benign (2). 1 of the submissions does not count toward it. Last evaluated 2019-12-31.

Conditions:
WDR81-related disorder. Also called: WDR81-related condition.

Allele frequency attached by ClinVar (database versions not stated): ExAC 0.00269; gnomAD 0.00663 and 0.00707; ESP Exome Variant Server 0.00725; TOPMed 0.00792; 1000 Genomes Project 0.01098; 1000 Genomes Project 30x 0.01109.

Submissions (3):

Labcorp Genetics (formerly Invitae), Labcorp
Classification: Benign. Last evaluated: 2019-12-31. Review status: criteria provided, single submitter. Criteria: Invitae Variant Classification Sherloc (09022015). Collection method: clinical testing. Allele origin: germline.

Breakthrough Genomics
Classification: Benign. Review status: criteria provided, single submitter. Criteria: ACMG Guidelines, 2015. Collection method: not provided. Allele origin: germline. Inheritance: Autosomal recessive inheritance. Affected: yes.

PreventionGenetics, part of Exact Sciences
Classification: Benign for WDR81-related condition. Last evaluated: 2019-05-03. Review status: no assertion criteria provided. Collection method: clinical testing. Allele origin: germline. Not counted in ClinVar's aggregate classification.
Comment: This variant is classified as benign based on ACMG/AMP sequence variant interpretation guidelines (Richards et al. 2015 PMID: 25741868, with internal and published modifications).